The following is an entry in ClinVar:

ClinVar aggregate classification (germline): Uncertain significance (1 of 4 stars; one submission).

Submission:

GeneDx
Classification: Uncertain significance. Last evaluated: 2026-03-25. Review status: criteria provided, single submitter. Criteria: GeneDx Variant Classification Process June 2021. Collection method: clinical testing. Allele origin: germline.
Comment: Not observed at significant frequency in large population cohorts (gnomAD); In silico analysis suggests that this missense variant does not alter protein structure/function; Has not been previously published as pathogenic or benign to our knowledge

NM_001111125.3(IQSEC2):c.658G>A (p.Gly220Ser)

Gene: IQSEC2 (IQ motif and Sec7 domain ArfGEF 2; minus strand). Cytogenetic location: Xp11.22.
Variant type: single nucleotide variant.
Coding change: c.658G>A on transcript NM_001111125.3 (MANE Select); coding-DNA position 658, G replaced by A.
Protein change: p.Gly220Ser; replaces glycine 220 with serine.
Molecular consequence: missense variant.
Genome position (GRCh38, 1-based): chrX:53,320,466, C>T on the plus strand (G>A on the coding strand, the complement: IQSEC2 is on the minus strand). VCF-style: chrX-53320466-C-T. GRCh37 (hg19) VCF-style: chrX-53349664-C-T.
Other names: c.658G>A, p.Gly220Ser (NM_001410736.1, NM_001441092.1); short protein forms G220S.
Identifiers: ClinVar variation 5017534 (VCV005017534.1).
Genomic context (GRCh38, chrX:53,320,466, plus strand): 5'-ACATTCCTTACTTTCTCTGGAGGGTCGTGGCCGGGCTGGTGCTGGTACTGGTGCTGTGGC[C>T]TCCGCCGGCGCCGGGACTGGAGCTCCTGGATGCGCCACGGCTCAGCTGGCCCCGCTCCCG-3'
Protein context (NP_001104595.1, residues 210-230): SRSSSPGAGG[Gly220Ser]HSTSTSTSPA